The following is an entry in ClinVar:

NM_017807.4(OSGEP):c.317G>T (p.Gly106Val)

Genes: OSGEP (O-sialoglycoprotein endopeptidase; minus strand), LOC107372315 (OSGEP/APEX1 bi-directional promoter region; plus strand). Cytogenetic location: 14q11.2.
Variant type: single nucleotide variant.
Coding change: c.317G>T on transcript NM_017807.4 (MANE Select); coding-DNA position 317, G replaced by T.
Protein change: p.Gly106Val; replaces glycine 106 with valine.
Molecular consequence: missense variant.
Genome position (GRCh38, 1-based): chr14:20,452,068, C>A on the plus strand (G>T on the coding strand, the complement: OSGEP is on the minus strand). VCF-style: chr14-20452068-C-A. GRCh37 (hg19) VCF-style: chr14-20920227-C-A.
Other names: short protein forms G106V.
Identifiers: ClinVar variation 1033446 (VCV001033446.1), dbSNP rs1881115384, ClinGen allele CA389124591.

ClinVar aggregate classification (germline): Uncertain significance (1 of 4 stars; one submission).

Conditions:
Galloway-Mowat syndrome 3. Identifiers: MedGen C4540266, MONDO:0033007, OMIM 617729.

Submission:

Baylor Genetics
Classification: Uncertain significance for Galloway-Mowat syndrome 3. Last evaluated: 2018-07-20. Review status: criteria provided, single submitter. Criteria: ACMG Guidelines, 2015. Collection method: clinical testing. Allele origin: unknown. Affected: yes.
Comment: This variant was determined to be of uncertain significance according to ACMG Guidelines, 2015 [PMID:25741868].